The following is an entry in ClinVar:

NM_001083116.3(PRF1):c.938A>T (p.Asp313Val)

Gene: PRF1 (perforin 1; minus strand). Cytogenetic location: 10q22.1.
Variant type: single nucleotide variant.
Coding change: c.938A>T on transcript NM_001083116.3 (MANE Select); coding-DNA position 938, A replaced by T.
Protein change: p.Asp313Val; replaces aspartic acid 313 with valine.
Molecular consequence: missense variant.
Genome position (GRCh38, 1-based): chr10:70,598,783, T>A on the plus strand (A>T on the coding strand, the complement: PRF1 is on the minus strand). VCF-style: chr10-70598783-T-A. GRCh37 (hg19) VCF-style: chr10-72358539-T-A.
Other names: c.938A>T, p.Asp313Val (NM_005041.6); short protein forms D313V.
Identifiers: ClinVar variation 2073383 (VCV002073383.8), dbSNP rs755737064, ClinGen allele CA5538875.
Genomic context (GRCh38, chr10:70,598,783, plus strand): 5'-GGCAGCGAGTTTACCCAGGCTGAGTACTGCTCGGGCCCGGCCTGGATCCCGAACAGCAGG[T>A]CGTTAATGGAGGTGTGATGGCCGCCAACCACTTCCGAGTGGCGCTCCCGGTAGGTTTGGT-3'
Protein context (NP_001076585.1, residues 303-323): VVGGHHTSIN[Asp313Val]LLFGIQAGPE

ClinVar aggregate classification (germline): Pathogenic/Likely pathogenic. Review status: criteria provided, multiple submitters, no conflicts (2 of 4 stars). 4 submissions from 4 submitters: Pathogenic (2); Likely pathogenic (2). Last evaluated 2025-10-23.

Conditions:
Familial hemophagocytic lymphohistiocytosis 2 (FHL2). Also called: PRF1-Related Familial Hemophagocytic Lymphohistiocytosis (PRF1-fHLH). Identifiers: Orphanet 540, MedGen C1863727, MONDO:0011337, OMIM 603553.
Aplastic anemia. Identifiers: Orphanet 182040, Orphanet 88, MedGen C0002874, MONDO:0015909, OMIM 609135, HP:0001915.
Lymphoma, non-Hodgkin, familial. Identifiers: MedGen C4721532, MONDO:0011508, OMIM 605027.

Allele frequency attached by ClinVar (database versions not stated): gnomAD 0.00001; gnomAD exomes 0.00001; ExAC 0.00002.
gnomAD v4.1: 11 of 1,613,922 alleles (0.00068%); highest among the groups gnomAD compares: Non-Finnish European, 0.00093%; no homozygotes.

Submissions (4):

Labcorp Genetics (formerly Invitae), Labcorp
Classification: Pathogenic for Familial hemophagocytic lymphohistiocytosis 2. Last evaluated: 2025-10-23. Review status: criteria provided, single submitter. Criteria: Invitae Variant Classification Sherloc (09022015). Collection method: clinical testing. Allele origin: germline.
Comment: This sequence change replaces aspartic acid, which is acidic and polar, with valine, which is neutral and non-polar, at codon 313 of the PRF1 protein (p.Asp313Val). This variant is present in population databases (rs755737064, gnomAD 0.002%). This missense change has been observed in individual(s) with clinical features of hemophagocytic lymphohistiocytosis (PMID: 32542393, 34677667). In at least one individual the data is consistent with being in trans (on the opposite chromosome) from a pathogenic variant. ClinVar contains an entry for this variant (Variation ID: 2073383). Invitae Evidence Modeling of protein sequence and biophysical properties (such as structural, functional, and spatial information, amino acid conservation, physicochemical variation, residue mobility, and thermodynamic stability) indicates that this missense variant is expected to disrupt PRF1 protein function with a positive predictive value of 95%. Experimental studies have shown that this missense change affects PRF1 function (PMID: 15755897, 16374518). For these reasons, this variant has been classified as Pathogenic.

Fulgent Genetics
Classification: Likely pathogenic for Familial hemophagocytic lymphohistiocytosis 2; Lymphoma, non-Hodgkin, familial; Aplastic anemia. Last evaluated: 2024-04-16. Review status: criteria provided, single submitter. Criteria: ACMG Guidelines, 2015. Collection method: clinical testing. Allele origin: germline.

Baylor Genetics
Classification: Pathogenic for Aplastic anemia. Last evaluated: 2024-03-29. Review status: criteria provided, single submitter. Criteria: ACMG Guidelines, 2015. Collection method: clinical testing. Allele origin: unknown.

GeneDx
Classification: Likely pathogenic. Last evaluated: 2023-12-11. Review status: criteria provided, single submitter. Criteria: GeneDx Variant Classification Process June 2021. Collection method: clinical testing. Allele origin: germline. Affected: yes.
Comment: Published functional studies demonstrate reduced lytic activity compared to wildtype (PMID: 15755897); In silico analysis supports that this missense variant has a deleterious effect on protein structure/function; This variant is associated with the following publications: (PMID: 23592409, 15755897, 16374518, 14757862, 32542393, 34677667)

Literature cited by the submitters: PubMed 32542393 (cited by Labcorp Genetics (formerly Invitae), Labcorp); PubMed 34677667 (cited by Labcorp Genetics (formerly Invitae), Labcorp); PubMed 15755897 (cited by Labcorp Genetics (formerly Invitae), Labcorp); PubMed 16374518 (cited by Labcorp Genetics (formerly Invitae), Labcorp).